The following is an entry in ClinVar:

ClinVar aggregate classification (germline): Likely pathogenic (1 of 4 stars; one submission).

Conditions:
Multiple epiphyseal dysplasia, Beighton type. Identifiers: Orphanet 166011, MedGen C1851536, MONDO:0007562, OMIM 132450.

Submission:

Hunan Provincial Maternal and Child Health Care Hospital
Classification: Likely pathogenic for Multiple epiphyseal dysplasia, Beighton type. Review status: criteria provided, single submitter. Criteria: ACMG Guidelines, 2015. Collection method: clinical testing. Allele origin: de novo. Inheritance: Autosomal dominant inheritance. Affected: yes. Observed: 1 heterozygote.
Comment: The NM_001844.5 c.2923G>A,is a missense variant in COL2A1 which is disrupts the Gly975 amino acid residue.

NM_001844.5(COL2A1):c.2923G>A (p.Gly975Ser)

Gene: COL2A1 (collagen type II alpha 1 chain; minus strand). Cytogenetic location: 12q13.11.
Variant type: single nucleotide variant.
Coding change: c.2923G>A on transcript NM_001844.5 (MANE Select); coding-DNA position 2923, G replaced by A.
Protein change: p.Gly975Ser; replaces glycine 975 with serine.
Molecular consequence: missense variant.
Genome position (GRCh38, 1-based): chr12:47,978,371, C>T on the plus strand (G>A on the coding strand, the complement: COL2A1 is on the minus strand). VCF-style: chr12-47978371-C-T. GRCh37 (hg19) VCF-style: chr12-48372154-C-T.
Other names: c.2716G>A, p.Gly906Ser (NM_033150.3); short protein forms G906S, G975S.
Identifiers: ClinVar variation 4278934 (VCV004278934.1).